The following is an entry in ClinVar:

NM_007315.4(STAT1):c.1011_1012del (p.Val339fs)

Gene: STAT1 (signal transducer and activator of transcription 1; minus strand). Cytogenetic location: 2q32.2.
Variant type: Deletion.
Coding change: c.1011_1012del on transcript NM_007315.4 (MANE Select); coding-DNA positions 1011 to 1012, 2 bases deleted (AG; older notation c.1011_1012delAG).
Protein change: p.Val339fs; shifts the reading frame from valine 339.
Molecular consequence: frameshift variant. On other transcripts: intron variant (1).
Genome position (GRCh38, 1-based): chr2:190,991,253-190,991,254, CT deleted on the plus strand (AG on the coding strand, the reverse complement: STAT1 is on the minus strand). VCF-style (leftmost placement, unchanged base first): chr2-190991252-CCT-C. GRCh37 (hg19) VCF-style: chr2-191855978-CCT-C.
Other names: c.1011_1012del, p.Val339fs (NM_001384880.1, NM_001384882.1, NM_001384886.1 and 3 more transcripts); c.1017_1018del, p.Val341fs (NM_001384881.1, NM_001384884.1); c.912_913del, p.Val306fs (NM_001384883.1); c.852_853del, p.Val286fs (NM_001384885.1); c.921_922del, p.Val309fs (NM_001384890.1); c.1047_1048del, p.Val351fs (NM_001384891.1); c.945-1580_945-1579del (NM_001384887.1); short protein forms V339fs, V286fs, V306fs, V309fs, V341fs, V351fs.
Identifiers: ClinVar variation 961842 (VCV000961842.41), dbSNP rs768767763, ClinGen allele CA2030098.

ClinVar aggregate classification (germline): Pathogenic. Review status: criteria provided, multiple submitters, no conflicts (2 of 4 stars). 3 submissions from 3 submitters: Pathogenic (3). Last evaluated 2025-05-05.

Conditions:
Autoimmune enteropathy and endocrinopathy - susceptibility to chronic infections syndrome. Also called: Immunodeficiency 31C; Immunodeficiency 31C, autosomal dominant. Identifiers: Orphanet 391487, MedGen C3279990, MONDO:0013599, OMIM 614162.
Immunodeficiency 31B. Also called: IMMUNODEFICIENCY 31B, MYCOBACTERIAL AND VIRAL INFECTIONS, AUTOSOMAL RECESSIVE; STAT1 DEFICIENCY, AUTOSOMAL RECESSIVE. Identifiers: Orphanet 391311, MedGen C3151088, MONDO:0013427, OMIM 613796.
Mendelian susceptibility to mycobacterial diseases due to partial STAT1 deficiency. Also called: IMMUNODEFICIENCY 31A, MYCOBACTERIOSIS, AUTOSOMAL DOMINANT; STAT1 DEFICIENCY, AUTOSOMAL DOMINANT; Immunodeficiency 31a. Identifiers: Orphanet 319595, MedGen C4013950, MONDO:0013956, OMIM 614892.

Allele frequency attached by ClinVar (database versions not stated): gnomAD exomes below 0.00001 and 0.00001; ExAC 0.00002.

Submissions (3):

GeneDx
Classification: Pathogenic. Last evaluated: 2025-05-05. Review status: criteria provided, single submitter. Criteria: GeneDx Variant Classification Process June 2021. Collection method: clinical testing. Allele origin: germline. Affected: yes.
Comment: Frameshift variant predicted to result in protein truncation or nonsense mediated decay in a gene for which loss of function is a known mechanism of disease; This variant is associated with the following publications: (PMID: 36912165, 37074537, 34183371, 32603902)

Labcorp Genetics (formerly Invitae), Labcorp
Classification: Pathogenic for Mendelian susceptibility to mycobacterial diseases due to partial STAT1 deficiency; Immunodeficiency 31B; Autoimmune enteropathy and endocrinopathy - susceptibility to chronic infections syndrome. Last evaluated: 2023-08-05. Review status: criteria provided, single submitter. Criteria: Invitae Variant Classification Sherloc (09022015). Collection method: clinical testing. Allele origin: germline.
Comment: For these reasons, this variant has been classified as Pathogenic. ClinVar contains an entry for this variant (Variation ID: 961842). This premature translational stop signal has been observed in individual(s) with autosomal recessive STAT1-related conditions (PMID: 32603902). This variant is present in population databases (rs768767763, gnomAD 0.007%). This sequence change creates a premature translational stop signal (p.Val339Profs*18) in the STAT1 gene. It is expected to result in an absent or disrupted protein product. Loss-of-function variants in STAT1 are known to be pathogenic (PMID: 22651901).

CeGaT Center for Human Genetics Tuebingen
Classification: Pathogenic. Last evaluated: 2021-07-01. Review status: criteria provided, single submitter. Criteria: CeGaT Center For Human Genetics Tuebingen Variant Classification Criteria Version 2. Collection method: clinical testing. Allele origin: germline. Affected: yes. Observed: 1 variant allele.

Literature cited by the submitters: PubMed 32603902 (cited by Labcorp Genetics (formerly Invitae), Labcorp); PubMed 22651901 (cited by Labcorp Genetics (formerly Invitae), Labcorp).